The following is an entry in ClinVar:

NM_007194.4(CHEK2):c.181A>G (p.Ser61Gly)

Gene: CHEK2 (checkpoint kinase 2; minus strand). Cytogenetic location: 22q12.1.
Variant type: single nucleotide variant.
Coding change: c.181A>G on transcript NM_007194.4 (MANE Select); coding-DNA position 181, A replaced by G.
Protein change: p.Ser61Gly; replaces serine 61 with glycine.
Molecular consequence: missense variant.
Genome position (GRCh38, 1-based): chr22:28,734,541, T>C on the plus strand (A>G on the coding strand, the complement: CHEK2 is on the minus strand). VCF-style: chr22-28734541-T-C. GRCh37 (hg19) VCF-style: chr22-29130529-T-C.
Other names: c.181A>G, p.Ser61Gly (NM_001005735.3, NM_001349956.3, NM_145862.3); c.-597A>G (NM_001257387.3); short protein forms S61G.
Identifiers: ClinVar variation 631443 (VCV000631443.17), dbSNP rs766499735, ClinGen allele CA10168063.

ClinVar aggregate classification (germline): Uncertain significance. Review status: criteria provided, multiple submitters, no conflicts (2 of 4 stars). 4 submissions from 4 submitters: Uncertain significance (4). Last evaluated 2024-07-30.

Conditions:
Hereditary cancer-predisposing syndrome. Also called: Tumor predisposition; Neoplastic Syndromes, Hereditary; Hereditary neoplastic syndrome; Hereditary Cancer Syndrome. Identifiers: Orphanet 140162, MedGen C0027672, MeSH D009386, MONDO:0015356.
Familial cancer of breast. Also called: hereditary breast carcinoma; BREAST CANCER, FAMILIAL; Hereditary breast cancer. Identifiers: Orphanet 227535, MedGen C0346153, MONDO:0016419, OMIM 114480. Disease mechanism: loss of function.

Allele frequency attached by ClinVar (database versions not stated): gnomAD exomes below 0.00001; ExAC 0.00001.
gnomAD v4.1: 1 of 1,613,530 alleles (0.000062%); highest among the groups gnomAD compares: Admixed American, 0.0017%; no homozygotes.

Submissions (4):

Labcorp Genetics (formerly Invitae), Labcorp
Classification: Uncertain significance for Familial cancer of breast. Last evaluated: 2024-07-30. Review status: criteria provided, single submitter. Criteria: Invitae Variant Classification Sherloc (09022015). Collection method: clinical testing. Allele origin: germline.
Comment: This sequence change replaces serine, which is neutral and polar, with glycine, which is neutral and non-polar, at codon 61 of the CHEK2 protein (p.Ser61Gly). This variant is present in population databases (rs766499735, gnomAD 0.003%). This variant has not been reported in the literature in individuals affected with CHEK2-related conditions. ClinVar contains an entry for this variant (Variation ID: 631443). An algorithm developed to predict the effect of missense changes on protein structure and function (PolyPhen-2) suggests that this variant is likely to be tolerated. In summary, the available evidence is currently insufficient to determine the role of this variant in disease. Therefore, it has been classified as a Variant of Uncertain Significance.

Color Diagnostics, LLC DBA Color Health
Classification: Uncertain significance for Hereditary cancer-predisposing syndrome. Last evaluated: 2023-12-05. Review status: criteria provided, single submitter. Criteria: ACMG Guidelines, 2015. Collection method: clinical testing. Allele origin: germline.
Comment: This missense variant replaces serine with glycine at codon 61 of the CHEK2 protein. Computational prediction suggests that this variant may not impact protein structure and function (internally defined REVEL score threshold <= 0.5, PMID: 27666373). To our knowledge, functional studies have not been reported for this variant. This variant has not been reported in individuals affected with CHEK2-related disorders in the literature. This variant has not been identified in the general population by the Genome Aggregation Database (gnomAD). The available evidence is insufficient to determine the role of this variant in disease conclusively. Therefore, this variant is classified as a Variant of Uncertain Significance.

Ambry Genetics
Classification: Uncertain significance for Hereditary cancer-predisposing syndrome. Last evaluated: 2023-08-30. Review status: criteria provided, single submitter. Criteria: Ambry Variant Classification Scheme 2023. Collection method: clinical testing. Allele origin: germline.
Comment: The p.S61G variant (also known as c.181A>G), located in coding exon 1 of the CHEK2 gene, results from an A to G substitution at nucleotide position 181. The serine at codon 61 is replaced by glycine, an amino acid with similar properties. This amino acid position is highly conserved in available vertebrate species. In addition, the in silico prediction for this alteration is inconclusive. Since supporting evidence is limited at this time, the clinical significance of this alteration remains unclear.

Quest Diagnostics Nichols Institute San Juan Capistrano
Classification: Uncertain significance. Last evaluated: 2023-02-17. Review status: criteria provided, single submitter. Criteria: Quest Diagnostics criteria. Collection method: clinical testing. Allele origin: unknown.
Comment: The variant has not been reported in the published literature. The frequency of this variant in the general population, 0.000004 (1/251460 chromosomes), is uninformative in assessment of its pathogenicity. Analysis of this variant using bioinformatics tools for the prediction of the effect of amino acid changes on protein structure and function yielded conflicting predictions that this variant is benign or damaging. Based on the available information, we are unable to determine the clinical significance of this variant.